The following is an entry in ClinVar:

NC_000009.11:g.(?_214977)_(399279_?)del

Genes: DOCK8 (dedicator of cytokinesis 8; plus strand), DOCK8-AS1 (DOCK8 antisense RNA 1; minus strand). Cytogenetic location: 9p24.3.
Variant type: Deletion.
Identifiers: ClinVar variation 1456362 (VCV001456362.10).

ClinVar aggregate classification (germline): Pathogenic (1 of 4 stars; one submission).

Conditions:
Hyper-IgE recurrent infection syndrome 3, autosomal recessive. Also called: Autosomal recessive hyper-IgE syndrome due to ZNF341 deficiency; HYPER-IgE SYNDROME 3, AUTOSOMAL RECESSIVE, WITH RECURRENT INFECTIONS. Identifiers: Orphanet 641368, MedGen C4748969, MONDO:0032654, OMIM 618282.

Submission:

Labcorp Genetics (formerly Invitae), Labcorp
Classification: Pathogenic for Combined immunodeficiency due to DOCK8 deficiency. Last evaluated: 2023-02-01. Review status: criteria provided, single submitter. Criteria: Invitae Variant Classification Sherloc (09022015). Collection method: clinical testing. Allele origin: germline.
Comment: For these reasons, this variant has been classified as Pathogenic. A similar copy number variant has been observed in individual(s) with hyper IgE syndrome (PMID: 20622910, 23380217). This variant is a gross deletion of the genomic region encompassing exon(s) 1-26 of the DOCK8 gene, which includes the initiator codon. This deletion extends beyond the assayed region for this gene and therefore may encompass additional genes. It is expected to result in an absent or disrupted protein product. Loss-of-function variants in DOCK8 are known to be pathogenic (PMID: 14722525, 19776401).

Literature cited by the submitters: PubMed 20622910; PubMed 23380217; PubMed 14722525; PubMed 19776401.